The following is an entry in ClinVar:

NM_199420.4(POLQ):c.2129A>C (p.His710Pro)

Gene: POLQ (DNA polymerase theta; minus strand). Cytogenetic location: 3q13.33.
Variant type: single nucleotide variant.
Coding change: c.2129A>C on transcript NM_199420.4 (MANE Select); coding-DNA position 2129, A replaced by C.
Protein change: p.His710Pro; replaces histidine 710 with proline.
Molecular consequence: missense variant.
Genome position (GRCh38, 1-based): chr3:121,498,501, T>G on the plus strand (A>C on the coding strand, the complement: POLQ is on the minus strand). VCF-style: chr3-121498501-T-G. GRCh37 (hg19) VCF-style: chr3-121217348-T-G.
Other names: short protein forms H710P.
Identifiers: ClinVar variation 3308631 (VCV003308631.1).

ClinVar aggregate classification (germline): Uncertain significance (1 of 4 stars; one submission).

Submission:

Ambry Genetics
Classification: Uncertain significance. Last evaluated: 2024-04-12. Review status: criteria provided, single submitter. Criteria: Ambry Variant Classification Scheme 2023. Collection method: clinical testing. Allele origin: germline.
Comment: The p.H710P variant (also known as c.2129A>C), located in coding exon 13 of the POLQ gene, results from an A to C substitution at nucleotide position 2129. The histidine at codon 710 is replaced by proline, an amino acid with similar properties. This amino acid position is conserved. In addition, this alteration is predicted to be tolerated by in silico analysis. Based on the available evidence, the clinical significance of this variant remains unclear.